The following is an entry in ClinVar:

ClinVar aggregate classification (germline): Uncertain significance (1 of 4 stars; one submission).

Submission:

GeneDx
Classification: Uncertain significance. Last evaluated: 2023-06-14. Review status: criteria provided, single submitter. Criteria: GeneDx Variant Classification Process June 2021. Collection method: clinical testing. Allele origin: germline. Affected: yes.
Comment: Has not been previously published as pathogenic or benign to our knowledge; Not observed at significant frequency in large population cohorts (gnomAD); In silico analysis supports that this missense variant has a deleterious effect on protein structure/function

NM_032119.4(ADGRV1):c.15692A>C (p.Glu5231Ala)

Gene: ADGRV1 (adhesion G protein-coupled receptor V1; plus strand). Cytogenetic location: 5q14.3.
Variant type: single nucleotide variant.
Coding change: c.15692A>C on transcript NM_032119.4 (MANE Select); coding-DNA position 15692, A replaced by C.
Protein change: p.Glu5231Ala; replaces glutamic acid 5231 with alanine.
Molecular consequence: missense variant. On other transcripts: non-coding transcript variant (1).
Genome position (GRCh38, 1-based): chr5:90,810,952, A>C. VCF-style: chr5-90810952-A-C. GRCh37 (hg19) VCF-style: chr5-90106769-A-C.
Other names: short protein forms E5231A.
Identifiers: ClinVar variation 3253183 (VCV003253183.1), dbSNP rs2532190214.